The following is an entry in ClinVar:

NM_015681.6(B9D1):c.567T>C (p.Asp189=)

Gene: B9D1 (B9 domain containing 1; minus strand). Cytogenetic location: 17p11.2.
Variant type: single nucleotide variant.
Coding change: c.567T>C on transcript NM_015681.6 (MANE Select); coding-DNA position 567, T replaced by C.
Protein change: p.Asp189=; no amino-acid change (aspartic acid 189 retained).
Molecular consequence: synonymous variant. On other transcripts: 3 prime UTR variant (2), intron variant (4).
Genome position (GRCh38, 1-based): chr17:19,343,367, A>G on the plus strand (T>C on the coding strand, the complement: B9D1 is on the minus strand). VCF-style: chr17-19343367-A-G. GRCh37 (hg19) VCF-style: chr17-19246680-A-G.
Other names: c.*92T>C (NM_001321214.2); c.*343T>C (NM_001321215.3); c.112+423T>C (NM_001368769.2); c.404+3902T>C (NM_001321219.2); c.472+423T>C (NM_001321218.2, NM_001321217.2).
Identifiers: ClinVar variation 510657 (VCV000510657.10), dbSNP rs776039881, ClinGen allele CA8440072.

ClinVar aggregate classification (germline): Likely benign. Review status: criteria provided, multiple submitters, no conflicts (2 of 4 stars). 3 submissions from 3 submitters: Likely benign (3). Last evaluated 2025-09-02.

Conditions:
Joubert syndrome. Also called: Familial aplasia of the vermis; JOUBERT-BOLTSHAUSER SYNDROME. Identifiers: Orphanet 475, MedGen C5979921, MONDO:0018772.
Meckel-Gruber syndrome. Also called: DYSENCEPHALIA SPLANCHNOCYSTICA; GRUBER SYNDROME; Dysencephalia splachnocystica. Identifiers: Orphanet 564, MedGen C0265215, MONDO:0018921.

Allele frequency attached by ClinVar (database versions not stated): ExAC 0.00001; gnomAD exomes 0.00001; gnomAD 0.00002 and 0.00049; TOPMed 0.00059.
gnomAD v4.1: 79 of 1,614,014 alleles (0.0049%); highest among the groups gnomAD compares: Non-Finnish European, 0.0013%; 2 homozygotes.

Submissions (3):

Labcorp Genetics (formerly Invitae), Labcorp
Classification: Likely benign for Joubert syndrome; Meckel-Gruber syndrome. Last evaluated: 2025-09-02. Review status: criteria provided, single submitter. Criteria: Invitae Variant Classification Sherloc (09022015). Collection method: clinical testing. Allele origin: germline.

Blueprint Genetics
Classification: Likely benign. Last evaluated: 2024-05-27. Review status: criteria provided, single submitter. Criteria: ACMG Guidelines, 2015. Collection method: clinical testing. Allele origin: germline.

GeneDx
Classification: Likely benign. Last evaluated: 2017-07-03. Review status: criteria provided, single submitter. Criteria: GeneDx Variant Classification (06012015). Collection method: clinical testing. Allele origin: germline. Affected: yes.
Comment: This variant is considered likely benign or benign based on one or more of the following criteria: it is a conservative change, it occurs at a poorly conserved position in the protein, it is predicted to be benign by multiple in silico algorithms, and/or has population frequency not consistent with disease.